The following is an entry in ClinVar:

NM_003502.4(AXIN1):c.2403G>A (p.Arg801=)

Gene: AXIN1 (axin 1; minus strand). Cytogenetic location: 16p13.3.
Variant type: single nucleotide variant.
Coding change: c.2403G>A on transcript NM_003502.4 (MANE Select); coding-DNA position 2403, G replaced by A.
Protein change: p.Arg801=; no amino-acid change (arginine 801 retained).
Molecular consequence: synonymous variant. On other transcripts: non-coding transcript variant (1).
Genome position (GRCh38, 1-based): chr16:289,499, C>T on the plus strand (G>A on the coding strand, the complement: AXIN1 is on the minus strand). VCF-style: chr16-289499-C-T. GRCh37 (hg19) VCF-style: chr16-339499-C-T.
Other names: c.2295G>A, p.Arg765= (NM_181050.3).
Identifiers: ClinVar variation 771011 (VCV000771011.21), dbSNP rs113073289, ClinGen allele CA7773824.
Genomic context (GRCh38, chr16:289,499, plus strand): 5'-CCTGTAGCTGCCCTTTTTGGTCAGCAGCTCCTTGAACTGGCCCAGGGTGACAGCGCGGCC[C>T]CTCACCAGGGTGCGGTAGGGGATGGGTTCCCCGCAGAAGTAGTACGCCACAACGATGCTG-3'
Protein context (NP_003493.1, residues 791-811): GEPIPYRTLV[Arg801=]GRAVTLGQFK

ClinVar aggregate classification (germline): Benign/Likely benign. Review status: criteria provided, multiple submitters, no conflicts (2 of 4 stars). 5 submissions from 5 submitters: Benign (2); Likely benign (2). 1 of the submissions does not count toward it. Last evaluated 2026-06-01.

Conditions:
Caudal duplication. Identifiers: Orphanet 1756, MedGen C1842884, MONDO:0011928, OMIM 607864.
Hepatocellular carcinoma (HCC). Also called: Primary carcinoma of liver; HEPATOMA; LIVER CELL CARCINOMA. Identifiers: Orphanet 88673, MedGen C2239176, MONDO:0007256, OMIM 114550, HP:0001402.
AXIN1-related disorder. Also called: AXIN1-related condition.

Allele frequency attached by ClinVar (database versions not stated): 1000 Genomes Project 30x 0.00141; 1000 Genomes Project 0.00160; gnomAD 0.00513 and 0.00535; ExAC 0.00514; gnomAD exomes 0.00517 and 0.00811; TOPMed 0.00541; ESP Exome Variant Server 0.00654.
gnomAD v4.1: 12,505 of 1,612,972 alleles (0.78%); highest among the groups gnomAD compares: Non-Finnish European, 0.96%; 66 homozygotes.

Submissions (5):

CeGaT Center for Human Genetics Tuebingen
Classification: Likely benign. Last evaluated: 2026-06-01. Review status: criteria provided, single submitter. Criteria: CeGaT Center For Human Genetics Tuebingen Variant Classification Criteria Version 2. Collection method: clinical testing. Allele origin: germline. Affected: yes. Observed: 3 variant alleles.
Comment: AXIN1: BP4, BP7, BS2

Fulgent Genetics
Classification: Likely benign for Hepatocellular carcinoma; Caudal duplication. Last evaluated: 2021-12-29. Review status: criteria provided, single submitter. Criteria: ACMG Guidelines, 2015. Collection method: clinical testing. Allele origin: unknown.

Labcorp Genetics (formerly Invitae), Labcorp
Classification: Benign. Last evaluated: 2019-12-31. Review status: criteria provided, single submitter. Criteria: Invitae Variant Classification Sherloc (09022015). Collection method: clinical testing. Allele origin: germline.

Breakthrough Genomics
Classification: Benign. Review status: criteria provided, single submitter. Criteria: ACMG Guidelines, 2015. Collection method: not provided. Allele origin: germline. Inheritance: Other. Affected: yes.

PreventionGenetics, part of Exact Sciences
Classification: Benign for AXIN1-related condition. Last evaluated: 2024-03-25. Review status: no assertion criteria provided. Collection method: clinical testing. Allele origin: germline. Not counted in ClinVar's aggregate classification.
Comment: This variant is classified as benign based on ACMG/AMP sequence variant interpretation guidelines (Richards et al. 2015 PMID: 25741868, with internal and published modifications).